The following is an entry in ClinVar:

ClinVar aggregate classification (germline): Uncertain significance (1 of 4 stars; one submission).

Conditions:
Glycogen storage disease type III (GSD3). Also called: FORBES DISEASE; Cori disease. Identifiers: Orphanet 366, MedGen C0017922, MONDO:0009291, OMIM 232400.

Submission:

Labcorp Genetics (formerly Invitae), Labcorp
Classification: Uncertain significance for Glycogen storage disease type III. Last evaluated: 2021-06-05. Review status: criteria provided, single submitter. Criteria: Invitae Variant Classification Sherloc (09022015). Collection method: clinical testing. Allele origin: germline.
Comment: This sequence change replaces glutamic acid with valine at codon 1072 of the AGL protein (p.Glu1072Val). The glutamic acid residue is weakly conserved and there is a moderate physicochemical difference between glutamic acid and valine. This variant is not present in population databases (ExAC no frequency). This variant has not been reported in the literature in individuals with AGL-related conditions. Algorithms developed to predict the effect of missense changes on protein structure and function (SIFT, PolyPhen-2, Align-GVGD) all suggest that this variant is likely to be tolerated, but these predictions have not been confirmed by published functional studies and their clinical significance is uncertain. In summary, the available evidence is currently insufficient to determine the role of this variant in disease. Therefore, it has been classified as a Variant of Uncertain Significance.

NM_000642.3(AGL):c.3215A>T (p.Glu1072Val)

Gene: AGL (amylo-alpha-1,6-glucosidase and 4-alpha-glucanotransferase; plus strand). Cytogenetic location: 1p21.2.
Variant type: single nucleotide variant.
Coding change: c.3215A>T on transcript NM_000642.3 (MANE Select); coding-DNA position 3215, A replaced by T.
Protein change: p.Glu1072Val; replaces glutamic acid 1072 with valine.
Molecular consequence: missense variant.
Genome position (GRCh38, 1-based): chr1:99,892,563, A>T. VCF-style: chr1-99892563-A-T. GRCh37 (hg19) VCF-style: chr1-100358119-A-T.
Other names: c.3215A>T, p.Glu1072Val (NM_000028.3, NM_000643.3, NM_000644.3 and 1 more transcripts); c.3167A>T, p.Glu1056Val (NM_000646.3); c.3194A>T, p.Glu1065Val (NM_001425326.1); c.3014A>T, p.Glu1005Val (NM_001425327.1); c.3011A>T, p.Glu1004Val (NM_001425328.1); c.2876A>T, p.Glu959Val (NM_001425329.1); c.2837A>T, p.Glu946Val (NM_001425332.1); short protein forms E1072V, E1056V, E1004V, E1005V, E1065V, E946V, E959V.
Identifiers: ClinVar variation 1420751 (VCV001420751.8), dbSNP rs2100792880, ClinGen allele CA341327108.